The following is an entry in ClinVar:

NM_024408.4(NOTCH2):c.4283A>G (p.Gln1428Arg)

Gene: NOTCH2 (notch receptor 2; minus strand). Cytogenetic location: 1p12.
Variant type: single nucleotide variant.
Coding change: c.4283A>G on transcript NM_024408.4 (MANE Select); coding-DNA position 4283, A replaced by G.
Protein change: p.Gln1428Arg; replaces glutamine 1428 with arginine.
Molecular consequence: missense variant.
Genome position (GRCh38, 1-based): chr1:119,925,533, T>C on the plus strand (A>G on the coding strand, the complement: NOTCH2 is on the minus strand). VCF-style: chr1-119925533-T-C. GRCh37 (hg19) VCF-style: chr1-120468156-T-C.
Other names: short protein forms Q1428R.
Identifiers: ClinVar variation 2051404 (VCV002051404.4), dbSNP rs774893514, ClinGen allele CA1039882.
Genomic context (GRCh38, chr1:119,925,533, plus strand): 5'-CAGGCATGGCTGTTGCAGGCCTCATCACAGACGCCATCCCGAGCTTTGTCGGCACAATAC[T>C]GGCTCAGACAGGTGGCAGGAGGGGTGCTGGGGGGTGCCGTGTAGAGTTCACAGCGGCTAC-3'
Protein context (NP_077719.2, residues 1418-1438): PSTPPATCLS[Gln1428Arg]YCADKARDGV

ClinVar aggregate classification (germline): Uncertain significance (1 of 4 stars; one submission).

Conditions:
Hajdu-Cheney syndrome (HJCYS). Also called: SERPENTINE FIBULA-POLYCYSTIC KIDNEY SYNDROME; ACROOSTEOLYSIS WITH OSTEOPOROSIS AND CHANGES IN SKULL AND MANDIBLE; Acroosteolysis dominant type. Identifiers: Orphanet 955, MedGen C0917715, MONDO:0007057, OMIM 102500.

Allele frequency attached by ClinVar (database versions not stated): gnomAD exomes below 0.00001; TOPMed below 0.00001; ExAC 0.00001.
gnomAD v4.1: 1 of 1,614,098 alleles (0.000062%); highest among the groups gnomAD compares: East Asian, 0.0022%; no homozygotes.

Submission:

Labcorp Genetics (formerly Invitae), Labcorp
Classification: Uncertain significance for Hajdu-Cheney syndrome. Last evaluated: 2022-05-07. Review status: criteria provided, single submitter. Criteria: Invitae Variant Classification Sherloc (09022015). Collection method: clinical testing. Allele origin: germline.
Comment: In summary, the available evidence is currently insufficient to determine the role of this variant in disease. Therefore, it has been classified as a Variant of Uncertain Significance. This sequence change replaces glutamine, which is neutral and polar, with arginine, which is basic and polar, at codon 1428 of the NOTCH2 protein (p.Gln1428Arg). This variant is present in population databases (rs774893514, gnomAD 0.006%). This variant has not been reported in the literature in individuals affected with NOTCH2-related conditions. Advanced modeling of protein sequence and biophysical properties (such as structural, functional, and spatial information, amino acid conservation, physicochemical variation, residue mobility, and thermodynamic stability) performed at Invitae indicates that this missense variant is not expected to disrupt NOTCH2 protein function.